The following is an entry in ClinVar:

NM_015599.3(PGM3):c.22A>G (p.Lys8Glu)

Gene: PGM3 (phosphoglucomutase 3; minus strand). Cytogenetic location: 6q14.1.
Variant type: single nucleotide variant.
Coding change: c.22A>G on transcript NM_015599.3 (MANE Select); coding-DNA position 22, A replaced by G.
Protein change: p.Lys8Glu; replaces lysine 8 with glutamic acid.
Molecular consequence: missense variant. On other transcripts: non-coding transcript variant (1), intron variant (1).
Genome position (GRCh38, 1-based): chr6:83,190,991, T>C on the plus strand (A>G on the coding strand, the complement: PGM3 is on the minus strand). VCF-style: chr6-83190991-T-C. GRCh37 (hg19) VCF-style: chr6-83900710-T-C.
Other names: c.106A>G, p.Lys36Glu (NM_001199917.2, NM_001367287.1); c.22A>G, p.Lys8Glu (NM_001199919.2, NM_001367286.1); c.-40+2188A>G (NM_001199918.2); short protein forms K36E, K8E.
Identifiers: ClinVar variation 1058640 (VCV001058640.8), dbSNP rs749320607, ClinGen allele CA3906908.

ClinVar aggregate classification (germline): Uncertain significance (1 of 4 stars; one submission).

Conditions:
Immunodeficiency 23 (IMD23). Also called: IMMUNODEFICIENCY WITH HYPER IgE AND COGNITIVE IMPAIRMENT; IMMUNODEFICIENCY-VASCULITIS-MYOCLONUS SYNDROME. Identifiers: Orphanet 443811, MedGen C4014371, MONDO:0014353, OMIM 615816.

Allele frequency attached by ClinVar (database versions not stated): gnomAD exomes below 0.00001; ExAC 0.00001; gnomAD 0.00001; TOPMed 0.00001.
gnomAD v4.1: 7 of 1,613,666 alleles (0.00043%); highest among the groups gnomAD compares: Non-Finnish European, 0.00059%; no homozygotes.

Submissions (2):

Labcorp Genetics (formerly Invitae), Labcorp
Classification: Uncertain significance for Immunodeficiency 23. Last evaluated: 2025-10-13. Review status: criteria provided, single submitter. Criteria: Invitae Variant Classification Sherloc (09022015). Collection method: clinical testing. Allele origin: germline.
Comment: This sequence change replaces lysine, which is basic and polar, with glutamic acid, which is acidic and polar, at codon 36 of the PGM3 protein (p.Lys36Glu). This variant is present in population databases (rs749320607, gnomAD 0.0009%). This variant has not been reported in the literature in individuals affected with PGM3-related conditions. ClinVar contains an entry for this variant (Variation ID: 1058640). An algorithm developed to predict the effect of missense changes on protein structure and function outputs the following: PolyPhen-2: "Benign". The glutamic acid amino acid residue is found in multiple mammalian species, which suggests that this missense change does not adversely affect protein function. In summary, the available evidence is currently insufficient to determine the role of this variant in disease. Therefore, it has been classified as a Variant of Uncertain Significance.

Dr. Peter K. Rogan Lab, Western University
No classification provided (evidence only). Condition: Malignant tumor of urinary bladder. Review status: no classification provided. Collection method: in vitro. Allele origin: not applicable. Functional consequence: retained intron. Not counted in ClinVar's aggregate classification.